The following is an entry in ClinVar:

NM_198999.3(SLC26A5):c.571-4del

Gene: SLC26A5 (solute carrier family 26 member 5; minus strand). Cytogenetic location: 7q22.1.
Variant type: Deletion.
Coding change: c.571-4del on transcript NM_198999.3 (MANE Select); 4 bases into the intron before coding-DNA position 571, one base deleted (A; older notation c.571-4delA).
Molecular consequence: intron variant.
Genome position (GRCh38, 1-based): chr7:103,410,553, T deleted on the plus strand (A on the coding strand, the reverse complement: SLC26A5 is on the minus strand); the first of 9 consecutive T bases (chr7:103,410,553-103,410,561); deleting any one gives the same sequence. VCF-style (leftmost placement, unchanged base first): chr7-103410552-AT-A. GRCh37 (hg19) VCF-style: chr7-103050999-AT-A.
Other names: c.571-4del (NM_206885.3, NM_001321787.2, NM_206884.3 and 2 more transcripts).
Identifiers: ClinVar variation 3050724 (VCV003050724.2), dbSNP rs753273893, ClinGen allele CA4419755.

ClinVar aggregate classification (germline): Likely benign (0 of 4 stars; one submission).

Conditions:
SLC26A5-related disorder. Also called: SLC26A5-related condition.

Submission:

PreventionGenetics, part of Exact Sciences
Classification: Likely benign for SLC26A5-related condition. Last evaluated: 2020-10-02. Review status: no assertion criteria provided. Collection method: clinical testing. Allele origin: germline.
Comment: This variant is classified as likely benign based on ACMG/AMP sequence variant interpretation guidelines (Richards et al. 2015 PMID: 25741868, with internal and published modifications).